The following is an entry in ClinVar:

ClinVar aggregate classification (germline): Likely benign (1 of 4 stars; one submission).

Allele frequency attached by ClinVar (database versions not stated): gnomAD 0.00983 and 0.01021; TOPMed 0.01089; 1000 Genomes Project 0.01098; 1000 Genomes Project 30x 0.01468.
gnomAD v4.1: 1,488 of 152,006 alleles (0.98%); highest among the groups gnomAD compares: African/African-American, 3.2%; 28 homozygotes.

Submission:

GeneDx
Classification: Likely benign. Last evaluated: 2018-06-16. Review status: criteria provided, single submitter. Criteria: GeneDx Variant Classification (06012015). Collection method: clinical testing. Allele origin: germline. Affected: yes.
Comment: This variant is considered likely benign or benign based on one or more of the following criteria: it is a conservative change, it occurs at a poorly conserved position in the protein, it is predicted to be benign by multiple in silico algorithms, and/or has population frequency not consistent with disease.

NM_001035.3(RYR2):c.2614-294C>T

Gene: RYR2 (ryanodine receptor 2; plus strand). Cytogenetic location: 1q43.
Variant type: single nucleotide variant.
Coding change: c.2614-294C>T on transcript NM_001035.3 (MANE Select); 294 bases into the intron before coding-DNA position 2614, C replaced by T.
Molecular consequence: intron variant.
Genome position (GRCh38, 1-based): chr1:237,506,416, C>T. VCF-style: chr1-237506416-C-T. GRCh37 (hg19) VCF-style: chr1-237669716-C-T.
Identifiers: ClinVar variation 673374 (VCV000673374.1), dbSNP rs531580520, ClinGen allele CA39782006.